The following is an entry in ClinVar:

ClinVar aggregate classification (germline): Uncertain significance (1 of 4 stars; one submission).

Conditions:
Tuberous sclerosis 1 (TSC1). Identifiers: Orphanet 805, MedGen C1854465, MONDO:0008612, OMIM 191100.

Submission:

Labcorp Genetics (formerly Invitae), Labcorp
Classification: Uncertain significance for Tuberous sclerosis 1. Last evaluated: 2022-11-23. Review status: criteria provided, single submitter. Criteria: Invitae Variant Classification Sherloc (09022015). Collection method: clinical testing. Allele origin: germline.
Comment: This sequence change replaces leucine, which is neutral and non-polar, with glutamine, which is neutral and polar, at codon 1135 of the TSC1 protein (p.Leu1135Gln). In summary, the available evidence is currently insufficient to determine the role of this variant in disease. Therefore, it has been classified as a Variant of Uncertain Significance. Advanced modeling of protein sequence and biophysical properties (such as structural, functional, and spatial information, amino acid conservation, physicochemical variation, residue mobility, and thermodynamic stability) performed at Invitae indicates that this missense variant is not expected to disrupt TSC1 protein function. This variant has not been reported in the literature in individuals affected with TSC1-related conditions. This variant is not present in population databases (gnomAD no frequency).

NM_000368.5(TSC1):c.3404T>A (p.Leu1135Gln)

Gene: TSC1 (TSC complex subunit 1; minus strand). Cytogenetic location: 9q34.13.
Variant type: single nucleotide variant.
Coding change: c.3404T>A on transcript NM_000368.5 (MANE Select); coding-DNA position 3404, T replaced by A.
Protein change: p.Leu1135Gln; replaces leucine 1135 with glutamine.
Molecular consequence: missense variant. On other transcripts: non-coding transcript variant (5).
Genome position (GRCh38, 1-based): chr9:132,896,326, A>T on the plus strand (T>A on the coding strand, the complement: TSC1 is on the minus strand). VCF-style: chr9-132896326-A-T. GRCh37 (hg19) VCF-style: chr9-135771713-A-T.
Other names: c.3401T>A, p.Leu1134Gln (NM_001162426.2, NM_001406597.1, NM_001406598.1 and 2 more transcripts); c.3251T>A, p.Leu1084Gln (NM_001162427.2, NM_001406610.1); c.3041T>A, p.Leu1014Gln (NM_001362177.2, NM_001406614.1, NM_001406615.1 and 4 more transcripts); c.3404T>A, p.Leu1135Gln (NM_001406592.1, NM_001406593.1, NM_001406594.1 and 2 more transcripts); c.3389T>A, p.Leu1130Gln (NM_001406601.1, NM_001406602.1); c.3386T>A, p.Leu1129Gln (NM_001406603.1, NM_001406604.1); c.3362T>A, p.Leu1121Gln (NM_001406605.1, NM_001406606.1, NM_001406607.1); c.3359T>A, p.Leu1120Gln (NM_001406608.1, NM_001406609.1); and 8 more; short protein forms L1000Q, L1014Q, L1083Q, L1120Q, L1129Q, L1135Q, L818Q, L999Q.
Identifiers: ClinVar variation 2816096 (VCV002816096.3), dbSNP rs2131589655, ClinGen allele CA375366441.